The following is an entry in ClinVar:

NM_000218.3(KCNQ1):c.1514+33991G>A

Genes: KCNQ1 (potassium voltage-gated channel subfamily Q member 1; plus strand), KCNQ1OT1 (KCNQ1 opposite strand/antisense transcript 1; minus strand). Cytogenetic location: 11p15.5.
Variant type: single nucleotide variant.
Coding change: c.1514+33991G>A on transcript NM_000218.3 (MANE Select); 33991 bases into the intron after coding-DNA position 1514, G replaced by A.
Molecular consequence: intron variant. On other transcripts: non-coding transcript variant (1).
Genome position (GRCh38, 1-based): chr11:2,696,072, G>A. VCF-style: chr11-2696072-G-A. GRCh37 (hg19) VCF-style: chr11-2717302-G-A.
Other names: c.1244+33991G>A (NM_001406837.1); c.1418+33991G>A (NM_001406836.1); c.974+33991G>A (NM_001406838.1); c.1133+33991G>A (NM_181798.2); c.1514+33991G>A (NM_000218.2).
Identifiers: ClinVar variation 2641496 (VCV002641496.25), dbSNP rs188692212, ClinGen allele CA216196222.
Genomic context (GRCh38, chr11:2,696,072, plus strand): 5'-GTAAAAGTGAAAAACGCAAATTGTTTCCTTAGTATTATTATGAAAACAGTCTTGACCCTT[G>A]CCATGATGGATTTATTTAACAGAAATCCTTAATCCATAATCATTAATGCATTCAAGTTCA-3'

ClinVar aggregate classification (germline): Likely benign. Review status: criteria provided, multiple submitters, no conflicts (2 of 4 stars). 2 submissions from 2 submitters: Likely benign (2). Last evaluated 2026-09-01.

Conditions:
KCNQ1-related disorder. Also called: KCNQ1-related disorders; KCNQ1-related condition. Identifiers: MedGen CN239322.

Allele frequency attached by ClinVar (database versions not stated): gnomAD exomes 0.00034; 1000 Genomes Project 0.00060; gnomAD 0.00091; 1000 Genomes Project 30x 0.00094; TOPMed 0.00096.
gnomAD v4.1: 235 of 398,576 alleles (0.059%); highest among the groups gnomAD compares: Middle Eastern, 0.25%; no homozygotes.

Submissions (2):

CeGaT Center for Human Genetics Tuebingen
Classification: Likely benign. Last evaluated: 2026-09-01. Review status: criteria provided, single submitter. Criteria: CeGaT Center For Human Genetics Tuebingen Variant Classification Criteria Version 2. Collection method: clinical testing. Allele origin: germline. Affected: yes. Observed: 8 variant alleles.
Comment: KCNQ1OT1: BS1

PreventionGenetics, part of Exact Sciences
Classification: Likely benign for KCNQ1-related condition. Last evaluated: 2026-02-04. Review status: criteria provided, single submitter. Criteria: ACMG Guidelines, 2015. Collection method: clinical testing. Allele origin: germline.
Comment: This variant is classified as likely benign based on ACMG/AMP sequence variant interpretation guidelines (Richards et al. 2015 PMID: 25741868, with internal and published modifications).